The following is an entry in ClinVar:

ClinVar aggregate classification (germline): Likely benign. Review status: criteria provided, multiple submitters, no conflicts (2 of 4 stars). 2 submissions from 2 submitters: Likely benign (2). Last evaluated 2026-09-01.

Allele frequency attached by ClinVar (database versions not stated): 1000 Genomes Project 30x 0.00016; 1000 Genomes Project 0.00020; gnomAD exomes 0.00041; ExAC 0.00048; ESP Exome Variant Server 0.00060.
gnomAD v4.1: 645 of 1,613,724 alleles (0.04%); highest among the groups gnomAD compares: Non-Finnish European, 0.052%; no homozygotes.

Submissions (2):

CeGaT Center for Human Genetics Tuebingen
Classification: Likely benign. Last evaluated: 2026-09-01. Review status: criteria provided, single submitter. Criteria: CeGaT Center For Human Genetics Tuebingen Variant Classification Criteria Version 2. Collection method: clinical testing. Allele origin: germline. Affected: yes. Observed: 3 variant alleles.
Comment: HYDIN: BP4, BP7

Blueprint Genetics
Classification: Likely benign. Last evaluated: 2024-11-27. Review status: criteria provided, single submitter. Criteria: ACMG Guidelines, 2015. Collection method: clinical testing. Allele origin: germline.

NM_001270974.2(HYDIN):c.4458C>T (p.Ser1486=)

Gene: HYDIN (HYDIN axonemal central pair apparatus protein; minus strand). Cytogenetic location: 16q22.2.
Variant type: single nucleotide variant.
Coding change: c.4458C>T on transcript NM_001270974.2 (MANE Select); coding-DNA position 4458, C replaced by T.
Protein change: p.Ser1486=; no amino-acid change (serine 1486 retained).
Molecular consequence: synonymous variant.
Genome position (GRCh38, 1-based): chr16:70,981,443, G>A on the plus strand (C>T on the coding strand, the complement: HYDIN is on the minus strand). VCF-style: chr16-70981443-G-A. GRCh37 (hg19) VCF-style: chr16-71015346-G-A.
Identifiers: ClinVar variation 2646773 (VCV002646773.25), dbSNP rs376407394, ClinGen allele CA8150714.